The following is an entry in ClinVar:

ClinVar aggregate classification (germline): Conflicting classifications of pathogenicity. Review status: criteria provided, conflicting classifications (1 of 4 stars). 2 submissions from 2 submitters: Pathogenic (1); Uncertain significance (1). Last evaluated 2026-07-20.

Conditions:
Hereditary cancer-predisposing syndrome. Also called: Neoplastic Syndromes, Hereditary; Hereditary Cancer Syndrome; Hereditary neoplastic syndrome; Tumor predisposition. Identifiers: Orphanet 140162, MedGen C0027672, MeSH D009386, MONDO:0015356.

Submissions (2):

Ambry Genetics
Classification: Uncertain significance for Hereditary cancer-predisposing syndrome. Last evaluated: 2026-07-20. Review status: criteria provided, single submitter. Criteria: Ambry Variant Classification Scheme 2023. Collection method: clinical testing. Allele origin: germline.
Comment: The c.1363_1364delCT variant, located in coding exon 14 of the POLE gene, results from a deletion of two nucleotides at nucleotide positions 1363 to 1364, causing a translational frameshift with a predicted alternate stop codon (p.L455Gfs*47). This alteration is expected to result in loss of function by premature protein truncation or nonsense-mediated mRNA decay. Although biallelic loss of function of POLE has been associated with autosomal recessive POLE deficiency, haploinsufficiency of POLE has not been established as a mechanism of disease for POLE-related polymerase proofreading-associated polyposis (PPAP) and POLE-related CMMRD-like syndrome. Based on the supporting evidence, this variant is expected to be causative of POLE deficiency when present along with a second pathogenic variant on the other allele; however, its clinical significance for PPAP and POLE-related CMMRD-like syndrome is unclear.

Labcorp Genetics (formerly Invitae), Labcorp
Classification: Pathogenic. Last evaluated: 2022-05-11. Review status: criteria provided, single submitter. Criteria: Invitae Variant Classification Sherloc (09022015). Collection method: clinical testing. Allele origin: germline.
Comment: This sequence change creates a premature translational stop signal (p.Leu455Glyfs*47) in the POLE gene. It is expected to result in an absent or disrupted protein product. Loss-of-function variants in POLE are known to be pathogenic (PMID: 23230001, 25948378, 30503519). For these reasons, this variant has been classified as Pathogenic. ClinVar contains an entry for this variant (Variation ID: 573425). This variant has not been reported in the literature in individuals affected with POLE-related conditions. This variant is not present in population databases (gnomAD no frequency).

Literature cited by the submitters: PubMed 23230001 (cited by Labcorp Genetics (formerly Invitae), Labcorp); PubMed 25948378 (cited by Labcorp Genetics (formerly Invitae), Labcorp); PubMed 30503519 (cited by Labcorp Genetics (formerly Invitae), Labcorp).

NM_006231.4(POLE):c.1363_1364del (p.Leu455fs)

Gene: POLE (DNA polymerase epsilon, catalytic subunit; minus strand). Cytogenetic location: 12q24.33.
Variant type: Microsatellite.
Coding change: c.1363_1364del on transcript NM_006231.4 (MANE Select); coding-DNA positions 1363 to 1364, 2 bases deleted (CT; older notation c.1363_1364delCT).
Protein change: p.Leu455fs; shifts the reading frame from leucine 455.
Molecular consequence: frameshift variant.
Genome position (GRCh38, 1-based): chr12:132,673,273-132,673,274, AG deleted on the plus strand (CT on the coding strand, the reverse complement: POLE is on the minus strand); deleting any 2 consecutive bases within chr12:132,673,273-132,673,276 gives the same sequence; the c. name uses the placement nearest the transcript's 3' end. VCF-style (leftmost placement, unchanged base first): chr12-132673272-CAG-C. GRCh37 (hg19) VCF-style: chr12-133249858-CAG-C.
Other names: c.1363_1364delCT (NM_006231.3, NM_006231.2); short protein forms L455fs.
Identifiers: ClinVar variation 573425 (VCV000573425.9), dbSNP rs1347535436, ClinGen allele CA685555190.